The following is an entry in ClinVar:

ClinVar aggregate classification (germline): Likely pathogenic (1 of 4 stars; one submission).

Conditions:
Mucopolysaccharidosis, MPS-II (MPS2). Also called: Hunter Syndrome; IDURONATE 2-SULFATASE DEFICIENCY; Mucopolysaccharidosis Type II; Mucopolysaccharidosis type 2; Attenuated MPS (subtype; formerly known as mild MPS II); Severe MPS II. Identifiers: Orphanet 580, Orphanet 79388, MedGen C0026705, MONDO:0010674, OMIM 309900.

Submission:

Laboratory of Diagnosis and Therapy of Lysosomal Disorders, University of Padova
Classification: Likely pathogenic for Mucopolysaccharidosis, MPS-II. Last evaluated: 2024-06-07. Review status: criteria provided, single submitter. Criteria: ACMG Guidelines, 2015. Collection method: literature only. Allele origin: germline. Affected: yes. Observed: 1 variant allele.
Comment: Absent from controls (or at low frequency) in gnomAD database (PM2_Moderate), Missense variant in a gene with a low rate of benign missense variation (PP2_Supporting), Multiple lines of computational evidence support a deleterious effect (PP3_Supporting), Patient’s phenotype or family history highly specific for the disease (PP4_Strong)

Classification method: ACMG Guidelines [PMID:25741868] with modifications

Literature cited by the submitters: PubMed 22976768.

NM_000202.8(IDS):c.1392C>G (p.Ser464Arg)

Gene: IDS (iduronate 2-sulfatase; minus strand). Cytogenetic location: Xq28.
Variant type: single nucleotide variant.
Coding change: c.1392C>G on transcript NM_000202.8 (MANE Select); coding-DNA position 1392, C replaced by G.
Protein change: p.Ser464Arg; replaces serine 464 with arginine.
Molecular consequence: missense variant.
Genome position (GRCh38, 1-based): chrX:149,483,007, G>C on the plus strand (C>G on the coding strand, the complement: IDS is on the minus strand). VCF-style: chrX-149483007-G-C. GRCh37 (hg19) VCF-style: chrX-148564538-G-C.
Other names: c.1122C>G, p.Ser374Arg (NM_001166550.4); short protein forms S374R, S464R.
Identifiers: ClinVar variation 3256041 (VCV003256041.2).
Genomic context (GRCh38, chrX:149,483,007, plus strand): 5'-ATCTTTTAAACTCGGCTTGTCAGAATTCCACTGAGGGATGTCTGAAGGCCGGGGATACTG[G>C]CTATAGGCAATCAGTTCACGGGGATTACCAGGGAGGTACGGATCCTCTTCCAAGTCACGG-3'
Protein context (NP_000193.1, residues 454-474): PGNPRELIAY[Ser464Arg]QYPRPSDIPQ